The following is an entry in ClinVar:

ClinVar aggregate classification (germline): Likely benign. Review status: criteria provided, multiple submitters, no conflicts (2 of 4 stars). 3 submissions from 3 submitters: Likely benign (3). Last evaluated 2025-11-01.

Conditions:
FMN2-related disorder. Also called: FMN2-related condition.

Submissions (3):

CeGaT Center for Human Genetics Tuebingen
Classification: Likely benign. Last evaluated: 2025-11-01. Review status: criteria provided, single submitter. Criteria: CeGaT Center For Human Genetics Tuebingen Variant Classification Criteria Version 2. Collection method: clinical testing. Allele origin: germline. Affected: yes. Observed: 13 variant alleles.
Comment: FMN2: BP4, BP7

Blueprint Genetics
Classification: Likely benign. Last evaluated: 2024-11-20. Review status: criteria provided, single submitter. Criteria: ACMG Guidelines, 2015. Collection method: clinical testing. Allele origin: germline.

PreventionGenetics, part of Exact Sciences
Classification: Likely benign for FMN2-related condition. Last evaluated: 2020-09-29. Review status: criteria provided, single submitter. Criteria: ACMG Guidelines, 2015. Collection method: clinical testing. Allele origin: germline.
Comment: This variant is classified as likely benign based on ACMG/AMP sequence variant interpretation guidelines (Richards et al. 2015 PMID: 25741868, with internal and published modifications).

NM_020066.5(FMN2):c.3165T>G (p.Pro1055=)

Gene: FMN2 (formin 2; plus strand). Cytogenetic location: 1q43.
Variant type: single nucleotide variant.
Coding change: c.3165T>G on transcript NM_020066.5 (MANE Select); coding-DNA position 3165, T replaced by G.
Protein change: p.Pro1055=; no amino-acid change (proline 1055 retained).
Molecular consequence: synonymous variant. On other transcripts: intron variant (1).
Genome position (GRCh38, 1-based): chr1:240,207,977, T>G. VCF-style: chr1-240207977-T-G. GRCh37 (hg19) VCF-style: chr1-240371277-T-G.
Other names: c.3165T>G (NM_020066.4); c.3177T>G, p.Pro1059= (NM_001305424.2); c.1986+19715T>G (NM_001348094.2).
Identifiers: ClinVar variation 2640170 (VCV002640170.26), dbSNP rs200857897, ClinGen allele CA1477016.
Genomic context (GRCh38, chr1:240,207,977, plus strand): 5'-ACTTCCCGGAGCGGGCATACCCCCTCCGCCCCCACTTCCCGGAGCGGGCATACCCCCTCC[T>G]CCCCCTCTTCCCGGAGCGGGCATACCTCCTCCACCCCCTCTACCCGGAGCGGGCATACCC-3'
Protein context (NP_064450.3, residues 1045-1065): PPLPGAGIPP[Pro1055=]PPLPGAGIPP